The following is an entry in ClinVar:

NM_018979.4(WNK1):c.74C>T (p.Pro25Leu)

Gene: WNK1 (WNK lysine deficient protein kinase 1; plus strand). Cytogenetic location: 12p13.33.
Variant type: single nucleotide variant.
Coding change: c.74C>T on transcript NM_018979.4 (MANE Select); coding-DNA position 74, C replaced by T.
Protein change: p.Pro25Leu; replaces proline 25 with leucine.
Molecular consequence: missense variant.
Genome position (GRCh38, 1-based): chr12:753,639, C>T. VCF-style: chr12-753639-C-T. GRCh37 (hg19) VCF-style: chr12-862805-C-T.
Other names: p.Pro25Leu; c.74C>T, p.Pro25Leu (NM_001184985.2, NM_014823.3, NM_213655.5); c.74C>T (NM_213655.4); short protein forms P25L.
Identifiers: ClinVar variation 538500 (VCV000538500.10), dbSNP rs1211154368, ClinGen allele CA383303576.

ClinVar aggregate classification (germline): Uncertain significance. Review status: criteria provided, multiple submitters, no conflicts (2 of 4 stars). 3 submissions from 3 submitters: Uncertain significance (3). Last evaluated 2025-08-07.

Conditions:
Neuropathy, hereditary sensory and autonomic, type 2A (HSAN2A). Also called: HSAN IIA; WNK1-Related HSAN2 (HSAN2A); MORVAN DISEASE; NEUROPATHY, CONGENITAL SENSORY; NEUROPATHY, HEREDITARY SENSORY RADICULAR, AUTOSOMAL RECESSIVE; NEUROPATHY, HEREDITARY SENSORY, TYPE IIA. Identifiers: Orphanet 970, MedGen C2752089, MONDO:0024309, OMIM 201300.
Pseudohypoaldosteronism type 2C (PHA2C). Also called: Pseudohypoaldosteronism Type IIC. Identifiers: Orphanet 757, Orphanet 88940, MedGen C1840391, MONDO:0013778, OMIM 614492.

Allele frequency attached by ClinVar (database versions not stated): gnomAD exomes below 0.00001.
gnomAD v4.1: 4 of 1,612,770 alleles (0.00025%); highest among the groups gnomAD compares: South Asian, 0.0022%; no homozygotes.

Submissions (3):

Mayo Clinic Laboratories, Mayo Clinic
Classification: Uncertain significance. Last evaluated: 2025-08-07. Review status: criteria provided, single submitter. Criteria: ACMG Guidelines, 2015. Collection method: clinical testing. Allele origin: germline. Observed: 1 variant allele.
Comment: BP4

Labcorp Genetics (formerly Invitae), Labcorp
Classification: Uncertain significance for Neuropathy, hereditary sensory and autonomic, type 2A; Pseudohypoaldosteronism type 2C. Last evaluated: 2024-10-21. Review status: criteria provided, single submitter. Criteria: Invitae Variant Classification Sherloc (09022015). Collection method: clinical testing. Allele origin: germline.
Comment: This sequence change replaces proline, which is neutral and non-polar, with leucine, which is neutral and non-polar, at codon 25 of the WNK1 protein (p.Pro25Leu). This variant is present in population databases (no rsID available, gnomAD 0.003%). This variant has not been reported in the literature in individuals affected with WNK1-related conditions. ClinVar contains an entry for this variant (Variation ID: 538500). Invitae Evidence Modeling of protein sequence and biophysical properties (such as structural, functional, and spatial information, amino acid conservation, physicochemical variation, residue mobility, and thermodynamic stability) indicates that this missense variant is not expected to disrupt WNK1 protein function with a negative predictive value of 95%. In summary, the available evidence is currently insufficient to determine the role of this variant in disease. Therefore, it has been classified as a Variant of Uncertain Significance.

Fulgent Genetics
Classification: Uncertain significance for Neuropathy, hereditary sensory and autonomic, type 2A; Pseudohypoaldosteronism type 2C. Last evaluated: 2022-05-11. Review status: criteria provided, single submitter. Criteria: ACMG Guidelines, 2015. Collection method: clinical testing. Allele origin: unknown.